The following is an entry in ClinVar:

NM_000077.5(CDKN2A):c.418_428del (p.Ser140fs)

Gene: CDKN2A (cyclin dependent kinase inhibitor 2A; minus strand). Cytogenetic location: 9p21.3.
Variant type: Deletion.
Coding change: c.418_428del on transcript NM_000077.5; coding-DNA positions 418 to 428, 11 bases deleted (AGTAACCATGC).
Protein change: p.Ser140fs; shifts the reading frame from serine 140.
Molecular consequence: frameshift variant (on NM_000077.6). On other transcripts: 3 prime UTR variant (2).
Genome position (GRCh38, 1-based): chr9:21,970,931-21,970,941, GCATGGTTACT deleted on the plus strand (AGTAACCATGC on the coding strand, the reverse complement: CDKN2A is on the minus strand); deleting any 11 consecutive bases within chr9:21,970,931-21,970,943 gives the same sequence; the c. name uses the placement nearest the transcript's 3' end. VCF-style (leftmost placement, unchanged base first): chr9-21970930-GGCATGGTTACT-G. GRCh37 (hg19) VCF-style: chr9-21970929-GGCATGGTTACT-G.
Other names: c.416_426delGCAGTAACCAT, p.Ser140Profs (NM_000077.6); c.418_428del, p.Ser140fs (NM_001195132.2); c.265_275del, p.Ser89fs (NM_001363763.2); c.*62_*72del (NM_058195.4); c.*341_*351del (NM_058197.5); c.418_428del11 (NM_000077.4); short protein forms S140fs, S89fs.
Identifiers: ClinVar variation 4224778 (VCV004224778.1).

ClinVar aggregate classification (germline): Uncertain significance (1 of 4 stars; one submission).

Conditions:
Hereditary cancer-predisposing syndrome. Also called: Neoplastic Syndromes, Hereditary; Tumor predisposition; Hereditary neoplastic syndrome; Hereditary Cancer Syndrome. Identifiers: Orphanet 140162, MedGen C0027672, MeSH D009386, MONDO:0015356.

Submission:

Ambry Genetics
Classification: Uncertain significance for Hereditary cancer-predisposing syndrome. Last evaluated: 2025-07-16. Review status: criteria provided, single submitter. Criteria: Ambry Variant Classification Scheme 2023. Collection method: clinical testing. Allele origin: germline.
Comment: The c.418_428del11 variant, located in coding exon 2 of the CDKN2A gene, results from a deletion of 11 nucleotides at nucleotide positions 418 to 428, causing a translational frameshift with a predicted alternate stop codon (p.S140Pfs*21). This alteration occurs at the 3' terminus of theCDKN2A gene, is not expected to trigger nonsense-mediated mRNAdecay and results in the elongation of the protein by 3 amino acids. This frameshift impacts the last 11%amino acids of the native protein. The exact functional effect of the altered amino acids is unknown. Based on the available evidence, the clinical significance of this variant remains unclear.